The following is an entry in ClinVar:

ClinVar aggregate classification (germline): Uncertain significance. Review status: criteria provided, multiple submitters, no conflicts (2 of 4 stars). 2 submissions from 2 submitters: Uncertain significance (2). Last evaluated 2021-10-25.

Conditions:
Ataxia-telangiectasia-like disorder (ATLD). Identifiers: MedGen C1858391, MONDO:0011457.
Hereditary cancer-predisposing syndrome. Also called: Hereditary neoplastic syndrome; Tumor predisposition; Hereditary Cancer Syndrome; Neoplastic Syndromes, Hereditary. Identifiers: Orphanet 140162, MedGen C0027672, MeSH D009386, MONDO:0015356.

gnomAD v4.1: 1 of 1,612,790 alleles (0.000062%); highest among the groups gnomAD compares: Non-Finnish European, 0.000085%; no homozygotes.

Submissions (2):

Labcorp Genetics (formerly Invitae), Labcorp
Classification: Uncertain significance for Ataxia-telangiectasia-like disorder. Last evaluated: 2021-10-25. Review status: criteria provided, single submitter. Criteria: Invitae Variant Classification Sherloc (09022015). Collection method: clinical testing. Allele origin: germline.
Comment: In summary, the available evidence is currently insufficient to determine the role of this variant in disease. Therefore, it has been classified as a Variant of Uncertain Significance. Algorithms developed to predict the effect of missense changes on protein structure and function (SIFT, PolyPhen-2, Align-GVGD) all suggest that this variant is likely to be tolerated. ClinVar contains an entry for this variant (Variation ID: 220364). This variant has not been reported in the literature in individuals affected with MRE11-related conditions. This variant is not present in population databases (gnomAD no frequency). This sequence change replaces threonine, which is neutral and polar, with isoleucine, which is neutral and non-polar, at codon 254 of the MRE11 protein (p.Thr254Ile).

Ambry Genetics
Classification: Uncertain significance for Hereditary cancer-predisposing syndrome. Last evaluated: 2021-06-22. Review status: criteria provided, single submitter. Criteria: Ambry Variant Classification Scheme 2023. Collection method: clinical testing. Allele origin: germline.
Comment: The p.T254I variant (also known as c.761C>T), located in coding exon 7 of the MRE11A gene, results from a C to T substitution at nucleotide position 761. The threonine at codon 254 is replaced by isoleucine, an amino acid with similar properties. This amino acid position is conserved. In addition, this alteration is predicted to be tolerated by in silico analysis. Since supporting evidence is limited at this time, the clinical significance of this alteration remains unclear.

NM_005591.4(MRE11):c.761C>T (p.Thr254Ile)

Gene: MRE11 (MRE11 double strand break repair nuclease; minus strand). Cytogenetic location: 11q21.
Variant type: single nucleotide variant.
Coding change: c.761C>T on transcript NM_005591.4 (MANE Select); coding-DNA position 761, C replaced by T.
Protein change: p.Thr254Ile; replaces threonine 254 with isoleucine.
Molecular consequence: missense variant.
Genome position (GRCh38, 1-based): chr11:94,471,658, G>A on the plus strand (C>T on the coding strand, the complement: MRE11 is on the minus strand). VCF-style: chr11-94471658-G-A. GRCh37 (hg19) VCF-style: chr11-94204824-G-A.
Other names: c.761C>T, p.Thr254Ile (NM_001330347.2, NM_005590.4); short protein forms T254I.
Identifiers: ClinVar variation 220364 (VCV000220364.10), dbSNP rs864622495, ClinGen allele CA349148.